The following is an entry in ClinVar:

NM_003072.5(SMARCA4):c.3980A>G (p.Glu1327Gly)

Gene: SMARCA4 (SWI/SNF related BAF chromatin remodeling complex subunit ATPase 4; plus strand). Cytogenetic location: 19p13.2.
Variant type: single nucleotide variant.
Coding change: c.3980A>G on transcript NM_003072.5 (MANE Select); coding-DNA position 3980, A replaced by G.
Protein change: p.Glu1327Gly; replaces glutamic acid 1327 with glycine.
Molecular consequence: missense variant. On other transcripts: non-coding transcript variant (1).
Genome position (GRCh38, 1-based): chr19:11,034,942, A>G. VCF-style: chr19-11034942-A-G. GRCh37 (hg19) VCF-style: chr19-11145618-A-G.
Other names: c.3980A>G, p.Glu1327Gly (NM_001128844.3, NM_001128849.3, NM_001387283.1); c.3881A>G, p.Glu1294Gly (NM_001128845.2, NM_001128846.2, NM_001128847.4 and 3 more transcripts); short protein forms E1294G, E1327G.
Identifiers: ClinVar variation 2727441 (VCV002727441.3), dbSNP rs2515347809, ClinGen allele CA404068043.

ClinVar aggregate classification (germline): Uncertain significance (1 of 4 stars; one submission).

Conditions:
Rhabdoid tumor predisposition syndrome 2 (RTPS2). Identifiers: Orphanet 231108, Orphanet 69077, MedGen C2750074, MONDO:0013224, OMIM 613325.

Submission:

Labcorp Genetics (formerly Invitae), Labcorp
Classification: Uncertain significance for Rhabdoid tumor predisposition syndrome 2. Last evaluated: 2023-10-13. Review status: criteria provided, single submitter. Criteria: Invitae Variant Classification Sherloc (09022015). Collection method: clinical testing. Allele origin: germline.
Comment: This sequence change replaces glutamic acid, which is acidic and polar, with glycine, which is neutral and non-polar, at codon 1327 of the SMARCA4 protein (p.Glu1327Gly). This variant is not present in population databases (gnomAD no frequency). This variant has not been reported in the literature in individuals affected with SMARCA4-related conditions. Advanced modeling of protein sequence and biophysical properties (such as structural, functional, and spatial information, amino acid conservation, physicochemical variation, residue mobility, and thermodynamic stability) performed at Invitae indicates that this missense variant is expected to disrupt SMARCA4 protein function. In summary, the available evidence is currently insufficient to determine the role of this variant in disease. Therefore, it has been classified as a Variant of Uncertain Significance.